The following is an entry in ClinVar:

ClinVar aggregate classification (germline): Conflicting classifications of pathogenicity. Review status: criteria provided, conflicting classifications (1 of 4 stars). 3 submissions from 3 submitters: Uncertain significance (2); Likely benign (1). Last evaluated 2023-03-23.

Conditions:
Hereditary cancer-predisposing syndrome. Also called: Tumor predisposition; Neoplastic Syndromes, Hereditary; Hereditary Cancer Syndrome; Hereditary neoplastic syndrome. Identifiers: Orphanet 140162, MedGen C0027672, MeSH D009386, MONDO:0015356.
Hereditary breast ovarian cancer syndrome. Also called: Breast and ovarian cancer; Hereditary breast and/or ovarian cancer syndrome; BRCA1- and BRCA2-Associated Hereditary Breast and Ovarian Cancer; Hereditary breast and ovarian cancer syndrome; Hereditary breast and ovarian cancer; Hereditary breast and ovarian cancer syndrome (HBOC). Identifiers: Orphanet 145, MedGen C0677776, MeSH D061325, MONDO:0003582. Disease mechanism: loss of function.

Submissions (3):

University of Washington Department of Laboratory Medicine, University of Washington
Classification: Likely benign for Hereditary cancer-predisposing syndrome. Last evaluated: 2023-03-23. Review status: criteria provided, single submitter. Criteria: Dines et al. (Genet Med. 2020). Collection method: curation. Allele origin: germline.
Comment: Missense variant in a coldspot region where missense variants are very unlikely to be pathogenic (PMID:31911673).

BRCA1 coldspot (exon 11 using historical exon numbering). Reclassification based on statistical prior probability

Ambry Genetics
Classification: Uncertain significance for Hereditary cancer-predisposing syndrome. Last evaluated: 2022-05-05. Review status: criteria provided, single submitter. Criteria: Ambry Variant Classification Scheme 2023. Collection method: clinical testing. Allele origin: germline.
Comment: The p.S1063F variant (also known as c.3188C>T), located in coding exon 9 of the BRCA1 gene, results from a C to T substitution at nucleotide position 3188. The serine at codon 1063 is replaced by phenylalanine, an amino acid with highly dissimilar properties. This amino acid position is well conserved in available vertebrate species. In addition, the in silico prediction for this alteration is inconclusive. Since supporting evidence is limited at this time, the clinical significance of this alteration remains unclear.

Labcorp Genetics (formerly Invitae), Labcorp
Classification: Uncertain significance for Hereditary breast ovarian cancer syndrome. Last evaluated: 2022-03-21. Review status: criteria provided, single submitter. Criteria: Invitae Variant Classification Sherloc (09022015). Collection method: clinical testing. Allele origin: germline.
Comment: This sequence change replaces serine, which is neutral and polar, with phenylalanine, which is neutral and non-polar, at codon 1063 of the BRCA1 protein (p.Ser1063Phe). This variant is not present in population databases (gnomAD no frequency). In summary, the available evidence is currently insufficient to determine the role of this variant in disease. Therefore, it has been classified as a Variant of Uncertain Significance. Advanced modeling of protein sequence and biophysical properties (such as structural, functional, and spatial information, amino acid conservation, physicochemical variation, residue mobility, and thermodynamic stability) performed at Invitae indicates that this missense variant is not expected to disrupt BRCA1 protein function. This variant has not been reported in the literature in individuals affected with BRCA1-related conditions.

NM_007294.4(BRCA1):c.3188C>T (p.Ser1063Phe)

Gene: BRCA1 (BRCA1 DNA repair associated; minus strand). Cytogenetic location: 17q21.31.
Variant type: single nucleotide variant.
Coding change: c.3188C>T on transcript NM_007294.4 (MANE Select); coding-DNA position 3188, C replaced by T.
Protein change: p.Ser1063Phe; replaces serine 1063 with phenylalanine.
Molecular consequence: missense variant. On other transcripts: intron variant (137).
Genome position (GRCh38, 1-based): chr17:43,092,343, G>A on the plus strand (C>T on the coding strand, the complement: BRCA1 is on the minus strand). VCF-style: chr17-43092343-G-A. GRCh37 (hg19) VCF-style: chr17-41244360-G-A.
Other names: c.2978C>T, p.Ser993Phe (NM_001407889.1, NM_001407900.1, NM_001407902.1 and 13 more transcripts); c.2975C>T, p.Ser992Phe (NM_001407894.1, NM_001407895.1, NM_001407896.1 and 9 more transcripts); c.2924C>T, p.Ser975Phe (NM_001407921.1, NM_001407922.1, NM_001407923.1 and 9 more transcripts); c.3065C>T, p.Ser1022Phe (NM_001407919.1, NM_001407648.1, NM_001407664.1 and 19 more transcripts); c.3188C>T, p.Ser1063Phe (NM_001407581.1, NM_001407582.1, NM_001407583.1 and 30 more transcripts); c.3185C>T, p.Ser1062Phe (NM_001407587.1, NM_001407590.1, NM_001407591.1 and 22 more transcripts); c.3179C>T, p.Ser1060Phe (NM_001407646.1, NM_001407647.1); c.3062C>T, p.Ser1021Phe (NM_001407649.1, NM_001407670.1, NM_001407671.1 and 11 more transcripts); and 41 more; short protein forms S1015F, S1016F, S1060F, S1062F, S895F, S936F, S993F, S1022F.
Identifiers: ClinVar variation 1728607 (VCV001728607.9), dbSNP rs2154337883, ClinGen allele CA10595609.